The following is an entry in ClinVar:

ClinVar aggregate classification (germline): Uncertain significance. Review status: criteria provided, multiple submitters, no conflicts (2 of 4 stars). 2 submissions from 2 submitters: Uncertain significance (2). Last evaluated 2024-07-17.

Conditions:
Peutz-Jeghers syndrome (PJS). Also called: POLYPOSIS, HAMARTOMATOUS INTESTINAL; POLYPS-AND-SPOTS SYNDROME; Peutz-Jeghers polyposis; Periorificial lentiginosis syndrome. Identifiers: Orphanet 2869, MedGen C0031269, MeSH D010580, MONDO:0008280, OMIM 175200.
Hereditary cancer-predisposing syndrome. Also called: Neoplastic Syndromes, Hereditary; Tumor predisposition; Hereditary Cancer Syndrome; Hereditary neoplastic syndrome. Identifiers: Orphanet 140162, MedGen C0027672, MeSH D009386, MONDO:0015356.

Submissions (2):

Labcorp Genetics (formerly Invitae), Labcorp
Classification: Uncertain significance for Peutz-Jeghers syndrome. Last evaluated: 2024-07-17. Review status: criteria provided, single submitter. Criteria: Invitae Variant Classification Sherloc (09022015). Collection method: clinical testing. Allele origin: germline.
Comment: This sequence change replaces glycine, which is neutral and non-polar, with glutamic acid, which is acidic and polar, at codon 180 of the STK11 protein (p.Gly180Glu). This variant is not present in population databases (gnomAD no frequency). This variant has not been reported in the literature in individuals affected with STK11-related conditions. ClinVar contains an entry for this variant (Variation ID: 1747273). Advanced modeling of protein sequence and biophysical properties (such as structural, functional, and spatial information, amino acid conservation, physicochemical variation, residue mobility, and thermodynamic stability) performed at Invitae indicates that this missense variant is expected to disrupt STK11 protein function with a positive predictive value of 95%. In summary, the available evidence is currently insufficient to determine the role of this variant in disease. Therefore, it has been classified as a Variant of Uncertain Significance.

Ambry Genetics
Classification: Uncertain significance for Hereditary cancer-predisposing syndrome. Last evaluated: 2020-08-19. Review status: criteria provided, single submitter. Criteria: Ambry Variant Classification Scheme 2023. Collection method: clinical testing. Allele origin: germline.
Comment: The p.G180E variant (also known as c.539G>A), located in coding exon 4 of the STK11 gene, results from a G to A substitution at nucleotide position 539. The glycine at codon 180 is replaced by glutamic acid, an amino acid with similar properties. This amino acid position is highly conserved in available vertebrate species. In addition, this alteration is predicted to be deleterious by in silico analysis. Since supporting evidence is limited at this time, the clinical significance of this alteration remains unclear.

NM_000455.5(STK11):c.539G>A (p.Gly180Glu)

Gene: STK11 (serine/threonine kinase 11; plus strand). Cytogenetic location: 19p13.3.
Variant type: single nucleotide variant.
Coding change: c.539G>A on transcript NM_000455.5 (MANE Select); coding-DNA position 539, G replaced by A.
Protein change: p.Gly180Glu; replaces glycine 180 with glutamic acid.
Molecular consequence: missense variant.
Genome position (GRCh38, 1-based): chr19:1,220,447, G>A. VCF-style: chr19-1220447-G-A. GRCh37 (hg19) VCF-style: chr19-1220446-G-A.
Other names: c.539G>A, p.Gly180Glu (NM_001407255.1); short protein forms G180E.
Identifiers: ClinVar variation 1747273 (VCV001747273.4), dbSNP rs2145424424, ClinGen allele CA402949088.